The following is an entry in ClinVar:

ClinVar aggregate classification (germline): Benign. Review status: criteria provided, multiple submitters, no conflicts (2 of 4 stars). 4 submissions from 4 submitters: Benign (4). Last evaluated 2021-07-15.

Conditions:
Hyperglycinuria. Also called: GLYCINURIA WITH OR WITHOUT OXALATE NEPHROLITHIASIS; GLYCINURIA WITH OR WITHOUT OXALATE UROLITHIASIS; IMINOGLYCINURIA TYPE II. Identifiers: MedGen C0543541, MONDO:0007677, OMIM 138500, HP:0003108.

Allele frequency attached by ClinVar (database versions not stated): 1000 Genomes Project 30x 0.12430; 1000 Genomes Project 0.12480; TOPMed 0.19509; gnomAD 0.20876 and 0.21012; ESP Exome Variant Server 0.21406; gnomAD exomes 0.23198 and 0.27306; ExAC 0.23345.
gnomAD v4.1: 429,718 of 1,613,344 alleles (27%); highest among the groups gnomAD compares: Middle Eastern, 30%; 61,929 homozygotes.

Submissions (4):

Genome-Nilou Lab
Classification: Benign for Hyperglycinuria. Last evaluated: 2021-07-15. Review status: criteria provided, single submitter. Criteria: ACMG Guidelines, 2015. Collection method: clinical testing. Allele origin: germline. Affected: no.

GeneDx
Classification: Benign. Last evaluated: 2021-05-15. Review status: criteria provided, single submitter. Criteria: GeneDx Variant Classification Process June 2021. Collection method: clinical testing. Allele origin: germline. Affected: yes.

Illumina Laboratory Services, Illumina
Classification: Benign for Hyperglycinuria. Last evaluated: 2018-01-13. Review status: criteria provided, single submitter. Criteria: ICSL Variant Classification Criteria 13 December 2019. Collection method: clinical testing. Allele origin: germline.
Comment: This variant was observed in the ICSL laboratory as part of a predisposition screen in an ostensibly healthy population. It had not been previously curated by ICSL or reported in the Human Gene Mutation Database (HGMD: prior to June 1st, 2018), and was therefore a candidate for classification through an automated scoring system. Utilizing variant allele frequency, disease prevalence and penetrance estimates, and inheritance mode, an automated score was calculated to assess if this variant is too frequent to cause the disease. Based on the score and internal cut-off values, a variant classified as benign is not then subjected to further curation. The score for this variant resulted in a classification of benign for this disease.

Breakthrough Genomics
Classification: Benign. Review status: criteria provided, single submitter. Criteria: ACMG Guidelines, 2015. Collection method: not provided. Allele origin: germline. Inheritance: Autosomal recessive inheritance. Affected: yes.

NM_020208.4(SLC6A20):c.1463+14G>A

Gene: SLC6A20 (solute carrier family 6 member 20; minus strand). Cytogenetic location: 3p21.31.
Variant type: single nucleotide variant.
Coding change: c.1463+14G>A on transcript NM_020208.4 (MANE Select); 14 bases into the intron after coding-DNA position 1463, G replaced by A.
Molecular consequence: intron variant.
Genome position (GRCh38, 1-based): chr3:45,762,899, C>T on the plus strand (G>A on the coding strand, the complement: SLC6A20 is on the minus strand). VCF-style: chr3-45762899-C-T. GRCh37 (hg19) VCF-style: chr3-45804391-C-T.
Other names: c.1352+14G>A (NM_022405.4).
Identifiers: ClinVar variation 345399 (VCV000345399.11), dbSNP rs2191027, ClinGen allele CA2351309.